The following is an entry in ClinVar:

ClinVar aggregate classification (germline): Uncertain significance (1 of 4 stars; one submission).

Conditions:
Long QT syndrome (LQTS). Identifiers: MedGen C0023976, MeSH D008133, MONDO:0002442. Disease mechanism: loss of function. Inheritance: Various modes of inheritance.

Submission:

Labcorp Genetics (formerly Invitae), Labcorp
Classification: Uncertain significance for Long QT syndrome. Last evaluated: 2023-04-03. Review status: criteria provided, single submitter. Criteria: Invitae Variant Classification Sherloc (09022015). Collection method: clinical testing. Allele origin: germline.
Comment: In summary, the available evidence is currently insufficient to determine the role of this variant in disease. Therefore, it has been classified as a Variant of Uncertain Significance. Advanced modeling of protein sequence and biophysical properties (such as structural, functional, and spatial information, amino acid conservation, physicochemical variation, residue mobility, and thermodynamic stability) performed at Invitae indicates that this missense variant is not expected to disrupt ANK2 protein function. ClinVar contains an entry for this variant (Variation ID: 1974643). This variant has not been reported in the literature in individuals affected with ANK2-related conditions. This variant is not present in population databases (gnomAD no frequency). This sequence change replaces isoleucine, which is neutral and non-polar, with valine, which is neutral and non-polar, at codon 3576 of the ANK2 protein (p.Ile3576Val).

NM_001148.6(ANK2):c.10726A>G (p.Ile3576Val)

Gene: ANK2 (ankyrin 2; plus strand). Cytogenetic location: 4q26.
Variant type: single nucleotide variant.
Coding change: c.10726A>G on transcript NM_001148.6 (MANE Select); coding-DNA position 10726, A replaced by G.
Protein change: p.Ile3576Val; replaces isoleucine 3576 with valine.
Molecular consequence: missense variant.
Genome position (GRCh38, 1-based): chr4:113,360,867, A>G. VCF-style: chr4-113360867-A-G. GRCh37 (hg19) VCF-style: chr4-114282023-A-G.
Other names: c.4444A>G, p.Ile1482Val (NM_001127493.3); c.4483A>G, p.Ile1495Val (NM_001354225.2); c.4372A>G, p.Ile1458Val (NM_001354228.2, NM_001354258.2); c.4450A>G, p.Ile1484Val (NM_001354230.2); c.4513A>G, p.Ile1505Val (NM_001354231.2, NM_001354242.2); c.4507A>G, p.Ile1503Val (NM_001354232.2); c.4468A>G, p.Ile1490Val (NM_001354235.2, NM_001354246.2, NM_001354265.2); c.4369A>G, p.Ile1457Val (NM_001354236.2); and 35 more; short protein forms I1396V, I1413V, I1416V, I1418V, I1420V, I1425V, I1433V, I1437V.
Identifiers: ClinVar variation 1974643 (VCV001974643.5), dbSNP rs2506158419, ClinGen allele CA357941078.